The following is an entry in ClinVar:

ClinVar aggregate classification (germline): Uncertain significance (1 of 4 stars; one submission).

Submission:

GeneDx
Classification: Uncertain significance. Last evaluated: 2024-07-19. Review status: criteria provided, single submitter. Criteria: GeneDx Variant Classification Process June 2021. Collection method: clinical testing. Allele origin: germline. Affected: yes.
Comment: Not observed at significant frequency in large population cohorts (gnomAD); In silico analysis indicates that this missense variant does not alter protein structure/function; Has not been previously published as pathogenic or benign to our knowledge

NM_018896.5(CACNA1G):c.5672T>C (p.Leu1891Pro)

Gene: CACNA1G (calcium voltage-gated channel subunit alpha1 G; plus strand). Cytogenetic location: 17q21.33.
Variant type: single nucleotide variant.
Coding change: c.5672T>C on transcript NM_018896.5 (MANE Select); coding-DNA position 5672, T replaced by C.
Protein change: p.Leu1891Pro; replaces leucine 1891 with proline.
Molecular consequence: missense variant. On other transcripts: non-coding transcript variant (5).
Genome position (GRCh38, 1-based): chr17:50,618,899, T>C. VCF-style: chr17-50618899-T-C. GRCh37 (hg19) VCF-style: chr17-48696260-T-C.
Other names: c.5618T>C, p.Leu1873Pro (NM_001256324.2, NM_198386.3); c.5693T>C, p.Leu1898Pro (NM_001256325.2); c.5537T>C, p.Leu1846Pro (NM_001256326.2, NM_001256330.2); c.5651T>C, p.Leu1884Pro (NM_001256327.2); c.5597T>C, p.Leu1866Pro (NM_001256328.2); c.5570T>C, p.Leu1857Pro (NM_001256329.2, NM_198376.3, NM_198379.3 and 2 more transcripts); c.5516T>C, p.Leu1839Pro (NM_001256331.2); c.5501T>C, p.Leu1834Pro (NM_001256332.2); and 7 more; short protein forms L1834P, L1839P, L1846P, L1850P, L1853P, L1855P, L1857P, L1864P.
Identifiers: ClinVar variation 3573777 (VCV003573777.1).